The following is an entry in ClinVar:

ClinVar aggregate classification (germline): Uncertain significance (1 of 4 stars; one submission).

Conditions:
Combined oxidative phosphorylation defect type 17. Also called: Combined oxidative phosphorylation deficiency 17. Identifiers: Orphanet 369913, MedGen C3809526, MONDO:0014190, OMIM 615440.

Submission:

Labcorp Genetics (formerly Invitae), Labcorp
Classification: Uncertain significance for Combined oxidative phosphorylation defect type 17. Last evaluated: 2024-10-24. Review status: criteria provided, single submitter. Criteria: Invitae Variant Classification Sherloc (09022015). Collection method: clinical testing. Allele origin: germline.
Comment: This sequence change replaces proline, which is neutral and non-polar, with glutamine, which is neutral and polar, at codon 766 of the ELAC2 protein (p.Pro766Gln). This variant is not present in population databases (gnomAD no frequency). This variant has not been reported in the literature in individuals affected with ELAC2-related conditions. Invitae Evidence Modeling of protein sequence and biophysical properties (such as structural, functional, and spatial information, amino acid conservation, physicochemical variation, residue mobility, and thermodynamic stability) has been performed for this missense variant. However, the output from this modeling did not meet the statistical confidence thresholds required to predict the impact of this variant on ELAC2 protein function. In summary, the available evidence is currently insufficient to determine the role of this variant in disease. Therefore, it has been classified as a Variant of Uncertain Significance.

NM_018127.7(ELAC2):c.2297C>A (p.Pro766Gln)

Gene: ELAC2 (elaC ribonuclease Z 2; minus strand). Cytogenetic location: 17p12.
Variant type: single nucleotide variant.
Coding change: c.2297C>A on transcript NM_018127.7 (MANE Select); coding-DNA position 2297, C replaced by A.
Protein change: p.Pro766Gln; replaces proline 766 with glutamine.
Molecular consequence: missense variant.
Genome position (GRCh38, 1-based): chr17:12,993,002, G>T on the plus strand (C>A on the coding strand, the complement: ELAC2 is on the minus strand). VCF-style: chr17-12993002-G-T. GRCh37 (hg19) VCF-style: chr17-12896319-G-T.
Other names: c.2177C>A, p.Pro726Gln (NM_001165962.2); c.2294C>A, p.Pro765Gln (NM_173717.2); short protein forms P726Q, P765Q, P766Q.
Identifiers: ClinVar variation 2827303 (VCV002827303.3), dbSNP rs2508202579, ClinGen allele CA398222362.